The following is an entry in ClinVar:

NM_003072.5(SMARCA4):c.748A>G (p.Ser250Gly)

Gene: SMARCA4 (SWI/SNF related BAF chromatin remodeling complex subunit ATPase 4; plus strand). Cytogenetic location: 19p13.2.
Variant type: single nucleotide variant.
Coding change: c.748A>G on transcript NM_003072.5 (MANE Select); coding-DNA position 748, A replaced by G.
Protein change: p.Ser250Gly; replaces serine 250 with glycine.
Molecular consequence: missense variant. On other transcripts: non-coding transcript variant (1).
Genome position (GRCh38, 1-based): chr19:10,986,581, A>G. VCF-style: chr19-10986581-A-G. GRCh37 (hg19) VCF-style: chr19-11097257-A-G.
Other names: c.748A>G, p.Ser250Gly (NM_001128844.3, NM_001128845.2, NM_001128846.2 and 5 more transcripts); short protein forms S250G.
Identifiers: ClinVar variation 408701 (VCV000408701.18), dbSNP rs774511507, ClinGen allele CA16615888.

ClinVar aggregate classification (germline): Conflicting classifications of pathogenicity. Review status: criteria provided, conflicting classifications (1 of 4 stars). 5 submissions from 5 submitters: Uncertain significance (4); Likely benign (1). Last evaluated 2026-02-03.

Conditions:
SMARCA4-related disorder. Also called: SMARCA4-related condition.
Hereditary cancer-predisposing syndrome. Also called: Hereditary Cancer Syndrome; Hereditary neoplastic syndrome; Neoplastic Syndromes, Hereditary; Tumor predisposition. Identifiers: Orphanet 140162, MedGen C0027672, MeSH D009386, MONDO:0015356.
Intellectual disability, autosomal dominant 16 (CSS4). Also called: COFFIN-SIRIS SYNDROME 4. Identifiers: Orphanet 1465, MedGen C3553249, MONDO:0013821, OMIM 614609.
Rhabdoid tumor predisposition syndrome 2 (RTPS2). Identifiers: Orphanet 231108, Orphanet 69077, MedGen C2750074, MONDO:0013224, OMIM 613325.

Allele frequency attached by ClinVar (database versions not stated): gnomAD 0.00001 and 0.00002; gnomAD exomes 0.00001; TOPMed 0.00002.
gnomAD v4.1: 17 of 1,536,126 alleles (0.0011%); highest among the groups gnomAD compares: Non-Finnish European, 0.0015%; no homozygotes.

Submissions (5):

Labcorp Genetics (formerly Invitae), Labcorp
Classification: Uncertain significance for Rhabdoid tumor predisposition syndrome 2. Last evaluated: 2026-02-03. Review status: criteria provided, single submitter. Criteria: Invitae Variant Classification Sherloc (09022015). Collection method: clinical testing. Allele origin: germline.
Comment: This sequence change replaces serine, which is neutral and polar, with glycine, which is neutral and non-polar, at codon 250 of the SMARCA4 protein (p.Ser250Gly). This variant is present in population databases (rs774511507, gnomAD 0.007%). This variant has not been reported in the literature in individuals affected with SMARCA4-related conditions. ClinVar contains an entry for this variant (Variation ID: 408701). Invitae Evidence Modeling of protein sequence and biophysical properties (such as structural, functional, and spatial information, amino acid conservation, physicochemical variation, residue mobility, and thermodynamic stability) indicates that this missense variant is not expected to disrupt SMARCA4 protein function with a negative predictive value of 95%. In summary, the available evidence is currently insufficient to determine the role of this variant in disease. Therefore, it has been classified as a Variant of Uncertain Significance.

GeneDx
Classification: Uncertain significance. Last evaluated: 2025-05-05. Review status: criteria provided, single submitter. Criteria: GeneDx Variant Classification Process June 2021. Collection method: clinical testing. Allele origin: germline. Affected: yes.
Comment: In silico analysis suggests that this missense variant does not alter protein structure/function; Has not been previously published as pathogenic or benign to our knowledge

PreventionGenetics, part of Exact Sciences
Classification: Uncertain significance for SMARCA4-related condition. Last evaluated: 2023-10-04. Review status: criteria provided, single submitter. Criteria: ACMG Guidelines, 2015. Collection method: clinical testing. Allele origin: germline.
Comment: The SMARCA4 c.748A>G variant is predicted to result in the amino acid substitution p.Ser250Gly. To our knowledge, this variant has not been reported in the literature. This variant is reported in 0.0065% of alleles in individuals of European (Non-Finnish) descent in gnomAD and is reported in ClinVar as uncertain and likely benign. At this time, the clinical significance of this variant is uncertain due to the absence of conclusive functional and genetic evidence.

Ambry Genetics
Classification: Likely benign for Hereditary cancer-predisposing syndrome. Last evaluated: 2022-08-29. Review status: criteria provided, single submitter. Criteria: Ambry Variant Classification Scheme 2023. Collection method: clinical testing. Allele origin: germline.

Genome-Nilou Lab
Classification: Uncertain significance for Intellectual disability, autosomal dominant 16. Last evaluated: 2021-07-15. Review status: criteria provided, single submitter. Criteria: ACMG Guidelines, 2015. Collection method: clinical testing. Allele origin: germline. Affected: no.